The following is an entry in ClinVar:

ClinVar aggregate classification (germline): Uncertain significance (1 of 4 stars; one submission).

Submission:

Women's Health and Genetics/Laboratory Corporation of America, LabCorp
Classification: Uncertain significance. Last evaluated: 2022-09-22. Review status: criteria provided, single submitter. Criteria: LabCorp Variant Classification Summary - May 2015. Collection method: clinical testing. Allele origin: germline.
Comment: Variant summary: CFTR c.3964-3C>A alters a conserved nucleotide located close to a canonical splice site and therefore could affect mRNA splicing, leading to a significantly altered protein sequence. Several computational tools predict a significant impact on normal splicing: Three predict the variant weakens a 3' acceptor site. One predict the variant abolishes a 3' acceptor site. However, these predictions have yet to be confirmed by functional studies. The variant was absent in 251058 control chromosomes. The available data on variant occurrences in the general population are insufficient to allow any conclusion about variant significance. To our knowledge, no occurrence of c.3964-3C>A in individuals affected with Cystic Fibrosis and no experimental evidence demonstrating its impact on protein function have been reported. No clinical diagnostic laboratories have submitted clinical-significance assessments for this variant to ClinVar after 2014. Based on the evidence outlined above, the variant was classified as uncertain significance.

NM_000492.4(CFTR):c.3964-3C>A

Gene: CFTR (CF transmembrane conductance regulator; plus strand). Cytogenetic location: 7q31.2.
Variant type: single nucleotide variant.
Coding change: c.3964-3C>A on transcript NM_000492.4 (MANE Select); 3 bases into the intron before coding-DNA position 3964, C replaced by A.
Molecular consequence: intron variant.
Genome position (GRCh38, 1-based): chr7:117,664,685, C>A. VCF-style: chr7-117664685-C-A. GRCh37 (hg19) VCF-style: chr7-117304739-C-A.
Identifiers: ClinVar variation 1722355 (VCV001722355.1), dbSNP rs397508652, ClinGen allele CA2580076349.